The following is an entry in ClinVar:

NM_080647.1(TBX1):c.34+2T>A

Gene: TBX1 (T-box transcription factor 1; plus strand). Cytogenetic location: 22q11.21.
Variant type: single nucleotide variant.
Coding change: c.34+2T>A on transcript NM_080647.1; the canonical splice donor site of the intron after coding-DNA position 34, T replaced by A.
Molecular consequence: splice donor variant.
Genome position (GRCh38, 1-based): chr22:19,759,679, T>A. VCF-style: chr22-19759679-T-A. GRCh37 (hg19) VCF-style: chr22-19747202-T-A.
Other names: c.34+2T>A (NM_005992.1, NM_080646.2).
Identifiers: ClinVar variation 2914171 (VCV002914171.3), dbSNP rs1601280018, ClinGen allele CA410681060.

ClinVar aggregate classification (germline): Likely pathogenic (1 of 4 stars; one submission).

Conditions:
DiGeorge syndrome. Also called: THIRD AND FOURTH PHARYNGEAL POUCH SYNDROME; Catch22. Identifiers: Orphanet 567, MedGen C0012236, MONDO:0008564, OMIM 188400.

Submission:

Labcorp Genetics (formerly Invitae), Labcorp
Classification: Likely pathogenic for DiGeorge syndrome. Last evaluated: 2023-08-24. Review status: criteria provided, single submitter. Criteria: Invitae Variant Classification Sherloc (09022015). Collection method: clinical testing. Allele origin: germline.
Comment: In summary, the currently available evidence indicates that the variant is pathogenic, but additional data are needed to prove that conclusively. Therefore, this variant has been classified as Likely Pathogenic. Algorithms developed to predict the effect of sequence changes on RNA splicing suggest that this variant may disrupt the consensus splice site. This variant has not been reported in the literature in individuals affected with TBX1-related conditions. This variant is not present in population databases (gnomAD no frequency). This sequence change affects a donor splice site in intron 2 of the TBX1 gene. It is expected to disrupt RNA splicing. Variants that disrupt the donor or acceptor splice site typically lead to a loss of protein function (PMID: 16199547), and loss-of-function variants in TBX1 are known to be pathogenic (PMID: 25860641, 29500247).

Literature cited by the submitters: PubMed 16199547; PubMed 25860641; PubMed 29500247.